The following is an entry in ClinVar:

ClinVar aggregate classification (germline): Uncertain significance. Review status: criteria provided, multiple submitters, no conflicts (2 of 4 stars). 7 submissions from 7 submitters: Uncertain significance (5). 2 of the submissions do not count toward it. Last evaluated 2026-08-27.

Conditions:
CNGB3-related disorder. Also called: CNGB3-related condition; CNGB3-related disorders. Identifiers: MedGen CN239340.
Inborn genetic diseases. Identifiers: MedGen C0950123, MeSH D030342.
Retinal dystrophy. Also called: Inherited retinal dystrophy. Identifiers: Orphanet 71862, MedGen C0854723, MeSH D058499, MONDO:0019118, HP:0000556.
Achromatopsia. Also called: Rod monochromatism. Identifiers: Orphanet 49382, MedGen C0152200, MONDO:0018852, HP:0011516.

Allele frequency attached by ClinVar (database versions not stated): ExAC 0.00003; gnomAD exomes 0.00004 and 0.00006; gnomAD 0.00008 and 0.00010; TOPMed 0.00012; ESP Exome Variant Server 0.00015.
gnomAD v4.1: 75 of 1,613,856 alleles (0.0046%); highest among the groups gnomAD compares: African/African-American, 0.032%; no homozygotes.

Submissions (7):

PreventionGenetics, part of Exact Sciences
Classification: Uncertain significance for CNGB3-related condition. Last evaluated: 2026-08-27. Review status: criteria provided, single submitter. Criteria: ACMG Guidelines, 2015. Collection method: clinical testing. Allele origin: germline.
Comment: The CNGB3 c.1811G>A variant is predicted to result in the amino acid substitution p.Arg604Gln. To our knowledge, this variant has not been reported in the literature. This variant is reported in 0.012% of alleles in individuals of African descent in gnomAD. At this time, the clinical significance of this variant is uncertain due to the absence of conclusive functional and genetic evidence.

Dasa
Classification: Uncertain significance. Last evaluated: 2025-08-26. Review status: criteria provided, single submitter. Criteria: DASA Assertion Criteria. Collection method: clinical testing. Allele origin: germline.
Comment: NM_019098.5(CNGB3):c.1811G>A (p.Arg604Gln) is a missense variant that results in the substitution of arginine with glutamine. This variant is rare in population databases. Computational prediction algorithms are consistent with a deleterious effect. The currently available literature and clinical evidence are not sufficient to establish a definitive association between this variant and the reported condition. Therefore, this variant is classified as a variant of uncertain significance.

Blueprint Genetics
Classification: Uncertain significance. Last evaluated: 2024-09-05. Review status: criteria provided, single submitter. Criteria: ACMG Guidelines, 2015. Collection method: clinical testing. Allele origin: germline.

Ambry Genetics
Classification: Uncertain significance for Inborn genetic diseases. Last evaluated: 2024-02-06. Review status: criteria provided, single submitter. Criteria: Ambry Variant Classification Scheme 2023. Collection method: clinical testing. Allele origin: germline.

Labcorp Genetics (formerly Invitae), Labcorp
Classification: Uncertain significance. Last evaluated: 2024-01-19. Review status: criteria provided, single submitter. Criteria: Invitae Variant Classification Sherloc (09022015). Collection method: clinical testing. Allele origin: germline.
Comment: This sequence change replaces arginine, which is basic and polar, with glutamine, which is neutral and polar, at codon 604 of the CNGB3 protein (p.Arg604Gln). This variant is present in population databases (rs369526115, gnomAD 0.01%). This variant has not been reported in the literature in individuals affected with CNGB3-related conditions. ClinVar contains an entry for this variant (Variation ID: 972229). Advanced modeling of protein sequence and biophysical properties (such as structural, functional, and spatial information, amino acid conservation, physicochemical variation, residue mobility, and thermodynamic stability) performed at Invitae indicates that this missense variant is expected to disrupt CNGB3 protein function with a positive predictive value of 80%. In summary, the available evidence is currently insufficient to determine the role of this variant in disease. Therefore, it has been classified as a Variant of Uncertain Significance.

Natera, Inc.
Classification: Uncertain significance for Achromatopsia. Last evaluated: 2020-03-20. Review status: no assertion criteria provided. Collection method: clinical testing. Allele origin: germline. Not counted in ClinVar's aggregate classification.

Institute of Human Genetics, Univ. Regensburg, Univ. Regensburg
Classification: Uncertain significance for Retinal dystrophy. Last evaluated: 2017-01-01. Review status: no assertion criteria provided. Criteria: ACMG Guidelines, 2015. Collection method: clinical testing. Allele origin: germline. Affected: yes. Not counted in ClinVar's aggregate classification.

NM_019098.5(CNGB3):c.1811G>A (p.Arg604Gln)

Gene: CNGB3 (cyclic nucleotide gated channel subunit beta 3; minus strand). Cytogenetic location: 8q21.3.
Variant type: single nucleotide variant.
Coding change: c.1811G>A on transcript NM_019098.5 (MANE Select); coding-DNA position 1811, G replaced by A.
Protein change: p.Arg604Gln; replaces arginine 604 with glutamine.
Molecular consequence: missense variant.
Genome position (GRCh38, 1-based): chr8:86,579,223, C>T on the plus strand (G>A on the coding strand, the complement: CNGB3 is on the minus strand). VCF-style: chr8-86579223-C-T. GRCh37 (hg19) VCF-style: chr8-87591451-C-T.
Other names: short protein forms R604Q.
Identifiers: ClinVar variation 972229 (VCV000972229.11), dbSNP rs369526115, ClinGen allele CA4799888.